The following is an entry in ClinVar:

NM_000377.3(WAS):c.547G>A (p.Gly183Arg)

Gene: WAS (WASP actin nucleation promoting factor; plus strand). Cytogenetic location: Xp11.23.
Variant type: single nucleotide variant.
Coding change: c.547G>A on transcript NM_000377.3 (MANE Select); coding-DNA position 547, G replaced by A.
Protein change: p.Gly183Arg; replaces glycine 183 with arginine.
Molecular consequence: missense variant.
Genome position (GRCh38, 1-based): chrX:48,686,122, G>A. VCF-style: chrX-48686122-G-A. GRCh37 (hg19) VCF-style: chrX-48544511-G-A.
Other names: short protein forms G183R.
Identifiers: ClinVar variation 2947270 (VCV002947270.4), dbSNP rs2519281963, ClinGen allele CA412869451.

ClinVar aggregate classification (germline): Uncertain significance. Review status: criteria provided, multiple submitters, no conflicts (2 of 4 stars). 2 submissions from 2 submitters: Uncertain significance (2). Last evaluated 2024-07-31.

Conditions:
Thrombocytopenia 1. Also called: X-linked thrombocytopenia with normal platelets; X-Linked Thrombocytopenia (XLT); THROMBOCYTOPENIA, X-LINKED, 1. Identifiers: Orphanet 268322, Orphanet 852, MedGen C1839163, MONDO:0010743, OMIM 313900.
Wiskott-Aldrich syndrome (WAS). Also called: ALDRICH SYNDROME; IMMUNODEFICIENCY 2; WISKOTT-ALDRICH SYNDROME 1; Wiskott-aldrich syndrome, somatic. Identifiers: Orphanet 906, MedGen C0043194, MONDO:0010518, OMIM 301000.
X-linked severe congenital neutropenia (SCNX). Identifiers: Orphanet 86788, MedGen C1845987, MONDO:0010294, OMIM 300299.

Allele frequency attached by ClinVar (database versions not stated): gnomAD exomes below 0.00001.

Submissions (2):

Blueprint Genetics
Classification: Uncertain significance. Last evaluated: 2024-07-31. Review status: criteria provided, single submitter. Criteria: ACMG Guidelines, 2015. Collection method: clinical testing. Allele origin: germline.

Labcorp Genetics (formerly Invitae), Labcorp
Classification: Uncertain significance for Wiskott-Aldrich syndrome; X-linked severe congenital neutropenia; Thrombocytopenia 1. Last evaluated: 2023-04-28. Review status: criteria provided, single submitter. Criteria: Invitae Variant Classification Sherloc (09022015). Collection method: clinical testing. Allele origin: germline.
Comment: This sequence change replaces glycine, which is neutral and non-polar, with arginine, which is basic and polar, at codon 183 of the WAS protein (p.Gly183Arg). In summary, the available evidence is currently insufficient to determine the role of this variant in disease. Therefore, it has been classified as a Variant of Uncertain Significance. Algorithms developed to predict the effect of sequence changes on RNA splicing suggest that this variant may create or strengthen a splice site. Advanced modeling of protein sequence and biophysical properties (such as structural, functional, and spatial information, amino acid conservation, physicochemical variation, residue mobility, and thermodynamic stability) has been performed at Invitae for this missense variant, however the output from this modeling did not meet the statistical confidence thresholds required to predict the impact of this variant on WAS protein function. This variant has not been reported in the literature in individuals affected with WAS-related conditions. This variant is not present in population databases (gnomAD no frequency).